The following is an entry in ClinVar:

NM_002474.3(MYH11):c.483C>T (p.Ala161=)

Gene: MYH11 (myosin heavy chain 11; minus strand). Cytogenetic location: 16p13.11.
Variant type: single nucleotide variant.
Coding change: c.483C>T on transcript NM_002474.3 (MANE Select); coding-DNA position 483, C replaced by T.
Protein change: p.Ala161=; no amino-acid change (alanine 161 retained).
Molecular consequence: synonymous variant.
Genome position (GRCh38, 1-based): chr16:15,823,274, G>A on the plus strand (C>T on the coding strand, the complement: MYH11 is on the minus strand). VCF-style: chr16-15823274-G-A. GRCh37 (hg19) VCF-style: chr16-15917131-G-A.
Other names: c.483C>T, p.Ala161= (NM_001040113.2, NM_001040114.2, NM_022844.3); c.483C>T (NM_002474.2).
Identifiers: ClinVar variation 808008 (VCV000808008.22), dbSNP rs1410270945, ClinGen allele CA493791685.

ClinVar aggregate classification (germline): Likely benign. Review status: criteria provided, multiple submitters, no conflicts (2 of 4 stars). 4 submissions from 4 submitters: Likely benign (4). Last evaluated 2026-01-08.

Conditions:
Familial thoracic aortic aneurysm and aortic dissection (TAAD). Also called: Thoracic aortic aneurysms and dissections. Identifiers: Orphanet 91387, MedGen C4707243, MONDO:0019625.
Aortic aneurysm, familial thoracic 4 (AAT4). Also called: AORTIC ANEURYSM/AORTIC DISSECTION AND PATENT DUCTUS ARTERIOSUS. Identifiers: MedGen C1851504, MONDO:0007568, OMIM 132900.

Allele frequency attached by ClinVar (database versions not stated): gnomAD exomes below 0.00001; gnomAD 0.00001.
gnomAD v4.1: 7 of 1,614,096 alleles (0.00043%); highest among the groups gnomAD compares: Non-Finnish European, 0.00051%; no homozygotes.

Submissions (4):

Labcorp Genetics (formerly Invitae), Labcorp
Classification: Likely benign for Aortic aneurysm, familial thoracic 4. Last evaluated: 2026-01-08. Review status: criteria provided, single submitter. Criteria: Invitae Variant Classification Sherloc (09022015). Collection method: clinical testing. Allele origin: germline.

Ambry Genetics
Classification: Likely benign for Familial thoracic aortic aneurysm and aortic dissection. Last evaluated: 2025-11-10. Review status: criteria provided, single submitter. Criteria: Ambry Variant Classification Scheme 2023. Collection method: clinical testing. Allele origin: germline.

All of Us Research Program, National Institutes of Health
Classification: Likely benign for Familial thoracic aortic aneurysm and aortic dissection. Last evaluated: 2024-07-20. Review status: criteria provided, single submitter. Criteria: ACMG Guidelines, 2015. Collection method: clinical testing. Allele origin: germline. Inheritance: Autosomal dominant inheritance. Observed: 1 variant allele, 1 heterozygote.
Comment: This study involves interpretation of variants in research participants for the purpose of population health screening. Participant phenotype was not available at the time of variant classification. Additional details can be found in publication PMID: 35346344, PMCID: PMC8962531

Color Diagnostics, LLC DBA Color Health
Classification: Likely benign for Familial thoracic aortic aneurysm and aortic dissection. Last evaluated: 2019-12-09. Review status: criteria provided, single submitter. Criteria: ACMG Guidelines, 2015. Collection method: clinical testing. Allele origin: germline.